The following is an entry in ClinVar:

ClinVar aggregate classification (germline): Likely benign. Review status: criteria provided, multiple submitters, no conflicts (2 of 4 stars). 2 submissions from 2 submitters: Likely benign (2). Last evaluated 2025-08-03.

Conditions:
Inborn genetic diseases. Identifiers: MedGen C0950123, MeSH D030342.

Allele frequency attached by ClinVar (database versions not stated): ExAC 0.00002; TOPMed 0.00004; gnomAD 0.00005; gnomAD exomes 0.00006 and 0.00017; ESP Exome Variant Server 0.00008.
gnomAD v4.1: 259 of 1,598,364 alleles (0.016%); highest among the groups gnomAD compares: Non-Finnish European, 0.02%; no homozygotes.

Submissions (2):

Ambry Genetics
Classification: Likely benign for Inborn genetic diseases. Last evaluated: 2025-08-03. Review status: criteria provided, single submitter. Criteria: Ambry Variant Classification Scheme 2023. Collection method: clinical testing. Allele origin: germline.

CeGaT Center for Human Genetics Tuebingen
Classification: Likely benign. Last evaluated: 2025-07-01. Review status: criteria provided, single submitter. Criteria: CeGaT Center For Human Genetics Tuebingen Variant Classification Criteria Version 2. Collection method: clinical testing. Allele origin: germline. Affected: yes. Observed: 3 variant alleles.
Comment: CUX1: BS2

NM_181552.4(CUX1):c.394G>A (p.Val132Met)

Genes: CUX1 (cut like homeobox 1; plus strand), LOC126860126 (P300/CBP strongly-dependent group 1 enhancer GRCh37_chr7:101740358-101741557; plus strand). Cytogenetic location: 7q22.1.
Variant type: single nucleotide variant.
Coding change: c.394G>A on transcript NM_181552.4 (MANE Select); coding-DNA position 394, G replaced by A.
Protein change: p.Val132Met; replaces valine 132 with methionine.
Molecular consequence: missense variant. On other transcripts: intron variant (1).
Genome position (GRCh38, 1-based): chr7:102,097,489, G>A. VCF-style: chr7-102097489-G-A. GRCh37 (hg19) VCF-style: chr7-101740769-G-A.
Other names: c.427G>A, p.Val143Met (NM_001202543.2, NM_001913.5, NM_181500.4); c.379G>A, p.Val127Met (NM_001202544.3); c.316G>A, p.Val106Met (NM_001202546.3); c.427G>A (NM_001202543.1); c.302-6847G>A (NM_001202545.3); short protein forms V106M, V127M, V132M, V143M.
Identifiers: ClinVar variation 1335682 (VCV001335682.36), dbSNP rs371126154, ClinGen allele CA4410437.